The following is an entry in ClinVar:

ClinVar aggregate classification (germline): Uncertain significance (1 of 4 stars; one submission).

Conditions:
Aortic valve disease 2 (AOVD2). Identifiers: MedGen C3542024, MONDO:0013902, OMIM 614823.

Allele frequency attached by ClinVar (database versions not stated): gnomAD exomes 0.00002 and 0.00003; gnomAD 0.00004; TOPMed 0.00011; 1000 Genomes Project 0.00040; 1000 Genomes Project 30x 0.00047.
gnomAD v4.1: 31 of 1,613,500 alleles (0.0019%); highest among the groups gnomAD compares: Admixed American, 0.025%; no homozygotes.

Submission:

Labcorp Genetics (formerly Invitae), Labcorp
Classification: Uncertain significance for Aortic valve disease 2. Last evaluated: 2025-07-27. Review status: criteria provided, single submitter. Criteria: Invitae Variant Classification Sherloc (09022015). Collection method: clinical testing. Allele origin: germline.
Comment: This sequence change replaces glutamic acid, which is acidic and polar, with lysine, which is basic and polar, at codon 287 of the SMAD6 protein (p.Glu287Lys). This variant is present in population databases (rs570279865, gnomAD 0.02%). This missense change has been observed in individual(s) with craniosynostosis (PMID: 27606499). ClinVar contains an entry for this variant (Variation ID: 1006378). Invitae Evidence Modeling of protein sequence and biophysical properties (such as structural, functional, and spatial information, amino acid conservation, physicochemical variation, residue mobility, and thermodynamic stability) indicates that this missense variant is not expected to disrupt SMAD6 protein function with a negative predictive value of 80%. In summary, the available evidence is currently insufficient to determine the role of this variant in disease. Therefore, it has been classified as a Variant of Uncertain Significance.

Literature cited by the submitters: PubMed 27606499.

NM_005585.5(SMAD6):c.859G>A (p.Glu287Lys)

Gene: SMAD6 (SMAD family member 6; plus strand). Cytogenetic location: 15q22.31.
Variant type: single nucleotide variant.
Coding change: c.859G>A on transcript NM_005585.5 (MANE Select); coding-DNA position 859, G replaced by A.
Protein change: p.Glu287Lys; replaces glutamic acid 287 with lysine.
Molecular consequence: missense variant. On other transcripts: non-coding transcript variant (1).
Genome position (GRCh38, 1-based): chr15:66,711,709, G>A. VCF-style: chr15-66711709-G-A. GRCh37 (hg19) VCF-style: chr15-67004047-G-A.
Other names: short protein forms E287K.
Identifiers: ClinVar variation 1006378 (VCV001006378.9), dbSNP rs570279865, ClinGen allele CA7626597.